The following is an entry in ClinVar:

NM_004525.3(LRP2):c.4712C>A (p.Ser1571Tyr)

Gene: LRP2 (LDL receptor related protein 2; minus strand). Cytogenetic location: 2q31.1.
Variant type: single nucleotide variant.
Coding change: c.4712C>A on transcript NM_004525.3 (MANE Select); coding-DNA position 4712, C replaced by A.
Protein change: p.Ser1571Tyr; replaces serine 1571 with tyrosine.
Molecular consequence: missense variant.
Genome position (GRCh38, 1-based): chr2:169,236,048, G>T on the plus strand (C>A on the coding strand, the complement: LRP2 is on the minus strand). VCF-style: chr2-169236048-G-T. GRCh37 (hg19) VCF-style: chr2-170092558-G-T.
Other names: short protein forms S1571Y.
Identifiers: ClinVar variation 1355046 (VCV001355046.6), dbSNP rs1310201637, ClinGen allele CA349142793.
Genomic context (GRCh38, chr2:169,236,048, plus strand): 5'-ACAGTGCGCATGCTGCCGTCCATGCTGGCTCGCTCGATGCGAGGGTGGTGGCCCCAGTCA[G>T]ACCAGAACAGTAGATGCTCACTGGGAAAGGAAATGAGTTACCAATTGGAGGGGACGTATT-3'
Protein context (NP_004516.2, residues 1561-1581): PRMNEHLLFW[Ser1571Tyr]DWGHHPRIER

ClinVar aggregate classification (germline): Uncertain significance (1 of 4 stars; one submission).

Allele frequency attached by ClinVar (database versions not stated): TOPMed below 0.00001.
gnomAD v4.1: 1 of 1,613,900 alleles (0.000062%); highest among the groups gnomAD compares: Non-Finnish European, 0.000085%; no homozygotes.

Submission:

Labcorp Genetics (formerly Invitae), Labcorp
Classification: Uncertain significance. Last evaluated: 2021-10-24. Review status: criteria provided, single submitter. Criteria: Invitae Variant Classification Sherloc (09022015). Collection method: clinical testing. Allele origin: germline.
Comment: In summary, the available evidence is currently insufficient to determine the role of this variant in disease. Therefore, it has been classified as a Variant of Uncertain Significance. This sequence change replaces serine, which is neutral and polar, with tyrosine, which is neutral and polar, at codon 1571 of the LRP2 protein (p.Ser1571Tyr). This variant is not present in population databases (gnomAD no frequency). This variant has not been reported in the literature in individuals affected with LRP2-related conditions. Advanced modeling of protein sequence and biophysical properties (such as structural, functional, and spatial information, amino acid conservation, physicochemical variation, residue mobility, and thermodynamic stability) performed at Invitae indicates that this missense variant is expected to disrupt LRP2 protein function.